The following is an entry in ClinVar:

ClinVar aggregate classification (germline): Likely benign. Review status: criteria provided, single submitter (1 of 4 stars). 2 submissions from 2 submitters: Likely benign (1). 1 of the submissions does not count toward it. Last evaluated 2025-06-04.

Conditions:
SLC38A8-related disorder. Also called: SLC38A8-related condition.

Allele frequency attached by ClinVar (database versions not stated): gnomAD exomes 0.00023; ExAC 0.00035; 1000 Genomes Project 30x 0.00078; 1000 Genomes Project 0.00080; gnomAD 0.00087 and 0.00093; ESP Exome Variant Server 0.00092; TOPMed 0.00108.
gnomAD v4.1: 260 of 1,614,012 alleles (0.016%); highest among the groups gnomAD compares: African/African-American, 0.29%; 1 homozygote.

Submissions (2):

Labcorp Genetics (formerly Invitae), Labcorp
Classification: Likely benign. Last evaluated: 2025-06-04. Review status: criteria provided, single submitter. Criteria: Invitae Variant Classification Sherloc (09022015). Collection method: clinical testing. Allele origin: germline.

PreventionGenetics, part of Exact Sciences
Classification: Likely benign for SLC38A8-related condition. Last evaluated: 2020-07-07. Review status: no assertion criteria provided. Collection method: clinical testing. Allele origin: germline. Not counted in ClinVar's aggregate classification.
Comment: This variant is classified as likely benign based on ACMG/AMP sequence variant interpretation guidelines (Richards et al. 2015 PMID: 25741868, with internal and published modifications).

NM_001080442.3(SLC38A8):c.1291G>A (p.Val431Ile)

Gene: SLC38A8 (solute carrier family 38 member 8; minus strand). Cytogenetic location: 16q23.3.
Variant type: single nucleotide variant.
Coding change: c.1291G>A on transcript NM_001080442.3 (MANE Select); coding-DNA position 1291, G replaced by A.
Protein change: p.Val431Ile; replaces valine 431 with isoleucine.
Molecular consequence: missense variant.
Genome position (GRCh38, 1-based): chr16:84,009,801, C>T on the plus strand (G>A on the coding strand, the complement: SLC38A8 is on the minus strand). VCF-style: chr16-84009801-C-T. GRCh37 (hg19) VCF-style: chr16-84043406-C-T.
Other names: short protein forms V431I.
Identifiers: ClinVar variation 730612 (VCV000730612.11), dbSNP rs144862027, ClinGen allele CA8199613.